The following is an entry in ClinVar:

NM_003126.4(SPTA1):c.2353C>A (p.Arg785=)

Gene: SPTA1 (spectrin alpha, erythrocytic 1; minus strand). Cytogenetic location: 1q23.1.
Variant type: single nucleotide variant.
Coding change: c.2353C>A on transcript NM_003126.4 (MANE Select); coding-DNA position 2353, C replaced by A.
Protein change: p.Arg785=; no amino-acid change (arginine 785 retained).
Molecular consequence: synonymous variant.
Genome position (GRCh38, 1-based): chr1:158,662,813, G>T on the plus strand (C>A on the coding strand, the complement: SPTA1 is on the minus strand). VCF-style: chr1-158662813-G-T. GRCh37 (hg19) VCF-style: chr1-158632603-G-T.
Other names: p.Arg785=.
Identifiers: ClinVar variation 293017 (VCV000293017.31), dbSNP rs2022057, ClinGen allele CA1183429.

ClinVar aggregate classification (germline): Benign/Likely benign. Review status: criteria provided, multiple submitters, no conflicts (2 of 4 stars). 8 submissions from 6 submitters: Benign (4); Likely benign (4). Last evaluated 2026-01-11.

Conditions:
Hereditary spherocytosis type 3. Also called: Spherocytosis type 3; SPTA1-Related Spherocytosis. Identifiers: Orphanet 822, MedGen C2678338, MONDO:0010053, OMIM 270970.
Elliptocytosis 2 (EL2). Also called: ELLIPTOCYTOSIS, RHESUS-UNLINKED TYPE. Identifiers: Orphanet 288, MedGen C1851741, MONDO:0007533, OMIM 130600.
Pyropoikilocytosis, hereditary. Also called: Pyropoikilocytosis. Identifiers: MedGen C0520739, MONDO:0009948, OMIM 266140, HP:0004839. Disease mechanism: loss of function.

Allele frequency attached by ClinVar (database versions not stated): ExAC 0.00430; 1000 Genomes Project 0.01338; 1000 Genomes Project 30x 0.01405; gnomAD 0.01471 and 0.01562; ESP Exome Variant Server 0.01494; TOPMed 0.01675.

Submissions (8):

Labcorp Genetics (formerly Invitae), Labcorp
Classification: Benign. Last evaluated: 2026-01-11. Review status: criteria provided, single submitter. Criteria: Invitae Variant Classification Sherloc (09022015). Collection method: clinical testing. Allele origin: germline.

ARUP Laboratories, Molecular Genetics and Genomics, ARUP Laboratories
Classification: Benign. Last evaluated: 2025-07-14. Review status: criteria provided, single submitter. Criteria: ARUP Molecular Germline Variant Investigation Process 2024. Collection method: clinical testing. Allele origin: germline.

Fulgent Genetics
Classification: Likely benign for Elliptocytosis 2; Pyropoikilocytosis, hereditary; Hereditary spherocytosis type 3. Last evaluated: 2021-12-23. Review status: criteria provided, single submitter. Criteria: ACMG Guidelines, 2015. Collection method: clinical testing. Allele origin: unknown.

Illumina Laboratory Services, Illumina
Classification: Likely benign for Hereditary spherocytosis type 3. Last evaluated: 2018-01-12. Review status: criteria provided, single submitter. Criteria: ICSL Variant Classification Criteria 13 December 2019. Collection method: clinical testing. Allele origin: germline.
Comment: This variant was observed in the ICSL laboratory as part of a predisposition screen in an ostensibly healthy population. It had not been previously curated by ICSL or reported in the Human Gene Mutation Database (HGMD: prior to June 1st, 2018), and was therefore a candidate for classification through an automated scoring system. Utilizing variant allele frequency, disease prevalence and penetrance estimates, and inheritance mode, an automated score was calculated to assess if this variant is too frequent to cause the disease. Based on the score and internal cut-off values, a variant classified as likely benign is not then subjected to further curation. The score for this variant resulted in a classification of likely benign for this disease.

Illumina Laboratory Services, Illumina
Classification: Likely benign for Pyropoikilocytosis, hereditary. Last evaluated: 2018-01-12. Review status: criteria provided, single submitter. Criteria: ICSL Variant Classification Criteria 13 December 2019. Collection method: clinical testing. Allele origin: germline.
Comment: the same text as in the submission from Illumina Laboratory Services, Illumina above.

Illumina Laboratory Services, Illumina
Classification: Benign for Elliptocytosis 2. Last evaluated: 2018-01-12. Review status: criteria provided, single submitter. Criteria: ICSL Variant Classification Criteria 13 December 2019. Collection method: clinical testing. Allele origin: germline.
Comment: This variant was observed in the ICSL laboratory as part of a predisposition screen in an ostensibly healthy population. It had not been previously curated by ICSL or reported in the Human Gene Mutation Database (HGMD: prior to June 1st, 2018), and was therefore a candidate for classification through an automated scoring system. Utilizing variant allele frequency, disease prevalence and penetrance estimates, and inheritance mode, an automated score was calculated to assess if this variant is too frequent to cause the disease. Based on the score and internal cut-off values, a variant classified as benign is not then subjected to further curation. The score for this variant resulted in a classification of benign for this disease.

Mayo Clinic Laboratories, Mayo Clinic
Classification: Benign. Last evaluated: 2016-09-15. Review status: criteria provided, single submitter. Criteria: ACMG Guidelines, 2015. Collection method: clinical testing. Allele origin: germline. Observed: 45 variant alleles.

Breakthrough Genomics
Classification: Likely benign. Review status: criteria provided, single submitter. Criteria: ACMG Guidelines, 2015. Collection method: not provided. Allele origin: germline. Inheritance: Autosomal recessive inheritance. Affected: yes.